The following is an entry in ClinVar:

NM_024312.5(GNPTAB):c.1114-22T>G

Gene: GNPTAB (N-acetylglucosamine-1-phosphate transferase subunits alpha and beta; minus strand). Cytogenetic location: 12q23.2.
Variant type: single nucleotide variant.
Coding change: c.1114-22T>G on transcript NM_024312.5 (MANE Select); 22 bases into the intron before coding-DNA position 1114, T replaced by G.
Molecular consequence: intron variant.
Genome position (GRCh38, 1-based): chr12:101,770,213, A>C on the plus strand (T>G on the coding strand, the complement: GNPTAB is on the minus strand). VCF-style: chr12-101770213-A-C. GRCh37 (hg19) VCF-style: chr12-102163991-A-C.
Other names: p.?.
Identifiers: ClinVar variation 4683770 (VCV004683770.1).

ClinVar aggregate classification (germline): Likely benign (1 of 4 stars; one submission).

Submission:

Mayo Clinic Laboratories, Mayo Clinic
Classification: Likely benign. Last evaluated: 2025-04-15. Review status: criteria provided, single submitter. Criteria: ACMG Guidelines, 2015. Collection method: clinical testing. Allele origin: germline. Observed: 1 variant allele.
Comment: BP7, PM2_supporting